The following is an entry in ClinVar:

NM_001165963.4(SCN1A):c.4427A>T (p.Asn1476Ile)

Genes: SCN1A (sodium voltage-gated channel alpha subunit 1; minus strand), LOC102724058 (uncharacterized LOC102724058; plus strand). Cytogenetic location: 2q24.3.
Variant type: single nucleotide variant.
Coding change: c.4427A>T on transcript NM_001165963.4 (MANE Select); coding-DNA position 4427, A replaced by T.
Protein change: p.Asn1476Ile; replaces asparagine 1476 with isoleucine.
Molecular consequence: missense variant. On other transcripts: non-coding transcript variant (1).
Genome position (GRCh38, 1-based): chr2:165,998,087, T>A on the plus strand (A>T on the coding strand, the complement: SCN1A is on the minus strand). VCF-style: chr2-165998087-T-A. GRCh37 (hg19) VCF-style: chr2-166854597-T-A.
Other names: c.4343A>T, p.Asn1448Ile (NM_001165964.3, NM_001353957.2, NM_001353958.2); c.4340A>T, p.Asn1447Ile (NM_001353960.2); c.1985A>T, p.Asn662Ile (NM_001353961.2); c.4394A>T, p.Asn1465Ile (NM_006920.6, NM_001353949.2, NM_001353950.2 and 2 more transcripts); c.4427A>T, p.Asn1476Ile (NM_001202435.3, NM_001353948.2); c.4391A>T, p.Asn1464Ile (NM_001353954.2, NM_001353955.2); short protein forms N1448I, N1464I, N662I, N1465I, N1476I, N1447I.
Identifiers: ClinVar variation 2755440 (VCV002755440.3), dbSNP rs2105476040, ClinGen allele CA349049308.

ClinVar aggregate classification (germline): Likely pathogenic (1 of 4 stars; one submission).

Conditions:
Early-infantile DEE. Also called: Ohtahara syndrome; Early infantile epileptic encephalopathy; Early infantile epileptic encephalopathy with suppression bursts. Identifiers: Orphanet 1934, MedGen C0393706, MONDO:0800491.

Submission:

Labcorp Genetics (formerly Invitae), Labcorp
Classification: Likely pathogenic for Early-infantile DEE. Last evaluated: 2023-08-27. Review status: criteria provided, single submitter. Criteria: Invitae Variant Classification Sherloc (09022015). Collection method: clinical testing. Allele origin: germline.
Comment: This sequence change replaces asparagine, which is neutral and polar, with isoleucine, which is neutral and non-polar, at codon 1476 of the SCN1A protein (p.Asn1476Ile). This variant is not present in population databases (gnomAD no frequency). This variant has not been reported in the literature in individuals affected with SCN1A-related conditions. Advanced modeling of protein sequence and biophysical properties (such as structural, functional, and spatial information, amino acid conservation, physicochemical variation, residue mobility, and thermodynamic stability) performed at Invitae indicates that this missense variant is expected to disrupt SCN1A protein function. This variant disrupts the p.Asn1476 amino acid residue in SCN1A. Other variant(s) that disrupt this residue have been determined to be pathogenic (PMID: 21248271; Invitae). This suggests that this residue is clinically significant, and that variants that disrupt this residue are likely to be disease-causing. In summary, the currently available evidence indicates that the variant is pathogenic, but additional data are needed to prove that conclusively. Therefore, this variant has been classified as Likely Pathogenic.

Literature cited by the submitters: PubMed 21248271.